The following is an entry in ClinVar:

NM_001271899.1(PPP2R2B):c.19A>T (p.Thr7Ser)

Gene: PPP2R2B (protein phosphatase 2 regulatory subunit Bbeta; minus strand). Cytogenetic location: 5q32.
Variant type: single nucleotide variant.
Coding change: c.19A>T on transcript NM_001271899.1; coding-DNA position 19, A replaced by T.
Protein change: p.Thr7Ser; replaces threonine 7 with serine.
Molecular consequence: missense variant. On other transcripts: 5 prime UTR variant (3).
Genome position (GRCh38, 1-based): chr5:147,081,128, T>A on the plus strand (A>T on the coding strand, the complement: PPP2R2B is on the minus strand). VCF-style: chr5-147081128-T-A. GRCh37 (hg19) VCF-style: chr5-146460691-T-A.
Other names: c.-20A>T (NM_001271900.2); c.-132A>T (NM_181677.2); c.-118A>T (NM_181678.2); short protein forms T7S.
Identifiers: ClinVar variation 3059331 (VCV003059331.2), dbSNP rs17524553, ClinGen allele CA3492983.

ClinVar aggregate classification (germline): Benign (0 of 4 stars; one submission).

Conditions:
PPP2R2B-related disorder. Also called: PPP2R2B-related condition.

Allele frequency attached by ClinVar (database versions not stated): 1000 Genomes Project 0.06090; ExAC 0.04341; gnomAD 0.08605; 1000 Genomes Project 30x 0.05949.
gnomAD v4.1: 155,117 of 1,535,316 alleles (10%); highest among the groups gnomAD compares: Admixed American, 12%; 8,679 homozygotes.

Submission:

PreventionGenetics, part of Exact Sciences
Classification: Benign for PPP2R2B-related condition. Last evaluated: 2019-05-08. Review status: no assertion criteria provided. Collection method: clinical testing. Allele origin: germline.
Comment: This variant is classified as benign based on ACMG/AMP sequence variant interpretation guidelines (Richards et al. 2015 PMID: 25741868, with internal and published modifications).